The following is an entry in ClinVar:

NM_012079.6(DGAT1):c.445C>T (p.Gln149Ter)

Gene: DGAT1 (diacylglycerol O-acyltransferase 1; minus strand). Cytogenetic location: 8q24.3.
Variant type: single nucleotide variant.
Coding change: c.445C>T on transcript NM_012079.6 (MANE Select); coding-DNA position 445, C replaced by T.
Protein change: p.Gln149Ter; replaces glutamine 149 with a stop codon.
Molecular consequence: nonsense.
Genome position (GRCh38, 1-based): chr8:144,318,722, G>A on the plus strand (C>T on the coding strand, the complement: DGAT1 is on the minus strand). VCF-style: chr8-144318722-G-A. GRCh37 (hg19) VCF-style: chr8-145542385-G-A.
Other names: short protein forms Q149*.
Identifiers: ClinVar variation 1934297 (VCV001934297.5), dbSNP rs1564631871, ClinGen allele CA372612584.
Genomic context (GRCh38, chr8:144,318,722, plus strand): 5'-AGGGTGAGCACACACGGAGGTGAGGGGCACTGCTTACCACCGCCAGGCGCTTCTCAACCT[G>A]GAATGCAGCCACAGCAAAGACATTGGCCGCTGTGGACAGAAGCACCAAGGGGCAGGTTTA-3'

ClinVar aggregate classification (germline): Pathogenic (1 of 4 stars; one submission).

Allele frequency attached by ClinVar (database versions not stated): gnomAD exomes below 0.00001.
gnomAD v4.1: 1 of 1,608,496 alleles (0.000062%); highest among the groups gnomAD compares: African/African-American, 0.0013%; no homozygotes.

Submission:

Labcorp Genetics (formerly Invitae), Labcorp
Classification: Pathogenic. Last evaluated: 2024-02-20. Review status: criteria provided, single submitter. Criteria: Invitae Variant Classification Sherloc (09022015). Collection method: clinical testing. Allele origin: germline.
Comment: This sequence change creates a premature translational stop signal (p.Gln149*) in the DGAT1 gene. It is expected to result in an absent or disrupted protein product. Loss-of-function variants in DGAT1 are known to be pathogenic (PMID: 29604290). This variant is not present in population databases (gnomAD no frequency). This variant has not been reported in the literature in individuals affected with DGAT1-related conditions. ClinVar contains an entry for this variant (Variation ID: 1934297). Algorithms developed to predict the effect of sequence changes on RNA splicing suggest that this variant may disrupt the consensus splice site. For these reasons, this variant has been classified as Pathogenic.

Literature cited by the submitters: PubMed 29604290.